The following is an entry in ClinVar:

NM_000059.4(BRCA2):c.365_366delinsTC (p.Thr122Ile)

Gene: BRCA2 (BRCA2 DNA repair associated; plus strand). Cytogenetic location: 13q13.1.
Variant type: Indel.
Coding change: c.365_366delinsTC on transcript NM_000059.4 (MANE Select); coding-DNA positions 365 to 366, CT replaced by TC.
Protein change: p.Thr122Ile; replaces threonine 122 with isoleucine.
Molecular consequence: missense variant.
Genome position (GRCh38, 1-based): chr13:32,325,124-32,325,125, CT replaced by TC. VCF-style: chr13-32325124-CT-TC. GRCh37 (hg19) VCF-style: chr13-32899261-CT-TC.
Other names: c.365_366delCTinsTC, p.Thr122Ile (NM_001406719.1, NM_001406720.1, NM_001406721.1); c.-5_-4delCTinsTC (NM_001406722.1); short protein forms T122I.
Identifiers: ClinVar variation 1733601 (VCV001733601.2), dbSNP rs2548514051, ClinGen allele CA2580086948.
Genomic context (GRCh38, chr13:32,325,124, plus strand): 5'-GTACTGTTTCAGGAAGGAATGTTCCCAATAGTAGACATAAAAGTCTTCGCACAGTGAAAA[CT>TC]AAAATGGATCAAGCAGATGATGTTTCCTGTCCACTTCTAAATTCTTGTCTTAGTGAAAGG-3'
Protein context (NP_000050.3, residues 112-132): SRHKSLRTVK[Thr122Ile]KMDQADDVSC

ClinVar aggregate classification (germline): Uncertain significance (1 of 4 stars; one submission).

Conditions:
Hereditary cancer-predisposing syndrome. Also called: Neoplastic Syndromes, Hereditary; Tumor predisposition; Hereditary Cancer Syndrome; Hereditary neoplastic syndrome. Identifiers: Orphanet 140162, MedGen C0027672, MeSH D009386, MONDO:0015356.

Submission:

Ambry Genetics
Classification: Uncertain significance for Hereditary cancer-predisposing syndrome. Last evaluated: 2021-06-14. Review status: criteria provided, single submitter. Criteria: Ambry Variant Classification Scheme 2023. Collection method: clinical testing. Allele origin: germline.
Comment: The c.365_366delCTinsTC variant (also known as p.T122I), located in coding exon 3 of the BRCA2 gene, results from an in-frame deletion of CT and insertion of TC at nucleotide positions 365 to 366. This results in the substitution of the threonine residue for an isoleucine residue at codon 122, an amino acid with similar properties. This amino acid position is poorly conserved in available vertebrate species. In addition, this alteration is predicted to be neutral by in silico analysis (Choi Y et al. PLoS ONE. 2012; 7(10):e46688). Since supporting evidence is limited at this time, the clinical significance of this alteration remains unclear.